The following is an entry in ClinVar:

ClinVar aggregate classification (germline): Uncertain significance (1 of 4 stars; one submission).

gnomAD v4.1: 1 of 1,614,152 alleles (0.000062%); highest among the groups gnomAD compares: South Asian, 0.0011%; no homozygotes.

Submission:

Labcorp Genetics (formerly Invitae), Labcorp
Classification: Uncertain significance. Last evaluated: 2022-07-06. Review status: criteria provided, single submitter. Criteria: Invitae Variant Classification Sherloc (09022015). Collection method: clinical testing. Allele origin: germline.
Comment: In summary, the available evidence is currently insufficient to determine the role of this variant in disease. Therefore, it has been classified as a Variant of Uncertain Significance. Algorithms developed to predict the effect of missense changes on protein structure and function are either unavailable or do not agree on the potential impact of this missense change (SIFT: "Not Available"; PolyPhen-2: "Benign"; Align-GVGD: "Not Available"). ClinVar contains an entry for this variant (Variation ID: 1491409). This variant has not been reported in the literature in individuals affected with CEP250-related conditions. This variant is not present in population databases (gnomAD no frequency). This sequence change replaces leucine, which is neutral and non-polar, with serine, which is neutral and polar, at codon 369 of the CEP250 protein (p.Leu369Ser).

NM_007186.6(CEP250):c.1106T>C (p.Leu369Ser)

Genes: CEP250 (centrosomal protein 250; plus strand), CEP250-AS1 (CEP250 antisense RNA 1; minus strand). Cytogenetic location: 20q11.22.
Variant type: single nucleotide variant.
Coding change: c.1106T>C on transcript NM_007186.6 (MANE Select); coding-DNA position 1106, T replaced by C.
Protein change: p.Leu369Ser; replaces leucine 369 with serine.
Molecular consequence: missense variant. On other transcripts: 5 prime UTR variant (1).
Genome position (GRCh38, 1-based): chr20:35,472,728, T>C. VCF-style: chr20-35472728-T-C. GRCh37 (hg19) VCF-style: chr20-34060553-T-C.
Other names: c.-794T>C (NM_001318219.1); short protein forms L369S.
Identifiers: ClinVar variation 1491409 (VCV001491409.8), dbSNP rs2146783460, ClinGen allele CA408759276.
Genomic context (GRCh38, chr20:35,472,728, plus strand): 5'-TTCAGGTCATGGTGGAAGAAGGGGACAATATAGCCCAAGGCTCTGGTCATGAGAACTCTT[T>C]GGAATTGGACTCTAGTATCTTCTCCCAGTTTGATTACCAGGATGCAGACAAGGCTCTTAC-3'
Protein context (NP_009117.2, residues 359-379): IAQGSGHENS[Leu369Ser]ELDSSIFSQF